The following is an entry in ClinVar:

ClinVar aggregate classification (germline): Uncertain significance. Review status: criteria provided, multiple submitters, no conflicts (2 of 4 stars). 5 submissions from 5 submitters: Uncertain significance (5). Last evaluated 2026-09-25.

Conditions:
Familial thoracic aortic aneurysm and aortic dissection (TAAD). Also called: Thoracic aortic aneurysms and dissections. Identifiers: Orphanet 91387, MedGen C4707243, MONDO:0019625.
MYLK-related disorder. Also called: MYLK-related condition.
Aortic aneurysm, familial thoracic 7 (AAT7). Also called: AORTIC DISSECTION, FAMILIAL, WITH OR WITHOUT AORTIC ANEURYSM. Identifiers: MedGen C3151077, MONDO:0013418, OMIM 613780.

Allele frequency attached by ClinVar (database versions not stated): TOPMed 0.00001; ExAC 0.00002; gnomAD exomes 0.00002.
gnomAD v4.1: 25 of 1,613,760 alleles (0.0015%); highest among the groups gnomAD compares: South Asian, 0.015%; no homozygotes.

Submissions (5):

PreventionGenetics, part of Exact Sciences
Classification: Uncertain significance for MYLK-related condition. Last evaluated: 2026-09-25. Review status: criteria provided, single submitter. Criteria: ACMG Guidelines, 2015. Collection method: clinical testing. Allele origin: germline.
Comment: The MYLK c.188A>G variant is predicted to result in the amino acid substitution p.Gln63Arg. To our knowledge, this variant has not been reported in the literature. This variant is reported in 0.016% of alleles in individuals of South Asian descent in gnomAD. At this time, the clinical significance of this variant is uncertain due to the absence of conclusive functional and genetic evidence.

Labcorp Genetics (formerly Invitae), Labcorp
Classification: Uncertain significance for Aortic aneurysm, familial thoracic 7. Last evaluated: 2025-12-13. Review status: criteria provided, single submitter. Criteria: Invitae Variant Classification Sherloc (09022015). Collection method: clinical testing. Allele origin: germline.
Comment: This sequence change replaces glutamine, which is neutral and polar, with arginine, which is basic and polar, at codon 63 of the MYLK protein (p.Gln63Arg). This variant is present in population databases (rs778259023, gnomAD 0.02%). This variant has not been reported in the literature in individuals affected with MYLK-related conditions. ClinVar contains an entry for this variant (Variation ID: 342908). Invitae Evidence Modeling of protein sequence and biophysical properties (such as structural, functional, and spatial information, amino acid conservation, physicochemical variation, residue mobility, and thermodynamic stability) indicates that this missense variant is not expected to disrupt MYLK protein function with a negative predictive value of 95%. In summary, the available evidence is currently insufficient to determine the role of this variant in disease. Therefore, it has been classified as a Variant of Uncertain Significance.

Ambry Genetics
Classification: Uncertain significance for Familial thoracic aortic aneurysm and aortic dissection. Last evaluated: 2025-05-18. Review status: criteria provided, single submitter. Criteria: Ambry Variant Classification Scheme 2023. Collection method: clinical testing. Allele origin: germline.
Comment: The p.Q63R variant (also known as c.188A>G), located in coding exon 2 of the MYLK gene, results from an A to G substitution at nucleotide position 188. The glutamine at codon 63 is replaced by arginine, an amino acid with highly similar properties. This amino acid position is conserved. In addition, this alteration is predicted to be tolerated by in silico analysis. Based on the available evidence, the clinical significance of this variant remains unclear.

GeneDx
Classification: Uncertain significance. Last evaluated: 2022-03-24. Review status: criteria provided, single submitter. Criteria: GeneDx Variant Classification Process June 2021. Collection method: clinical testing. Allele origin: germline. Affected: yes.
Comment: Has not been previously published as pathogenic or benign to our knowledge; In silico analysis supports that this missense variant does not alter protein structure/function

Illumina Laboratory Services, Illumina
Classification: Uncertain significance for Aortic aneurysm, familial thoracic 7. Last evaluated: 2018-01-12. Review status: criteria provided, single submitter. Criteria: ICSL Variant Classification Criteria 13 December 2019. Collection method: clinical testing. Allele origin: germline.

NM_053025.4(MYLK):c.188A>G (p.Gln63Arg)

Gene: MYLK (myosin light chain kinase; minus strand). Cytogenetic location: 3q21.1.
Variant type: single nucleotide variant.
Coding change: c.188A>G on transcript NM_053025.4 (MANE Select); coding-DNA position 188, A replaced by G.
Protein change: p.Gln63Arg; replaces glutamine 63 with arginine.
Molecular consequence: missense variant. On other transcripts: intron variant (1).
Genome position (GRCh38, 1-based): chr3:123,752,516, T>C on the plus strand (A>G on the coding strand, the complement: MYLK is on the minus strand). VCF-style: chr3-123752516-T-C. GRCh37 (hg19) VCF-style: chr3-123471363-T-C.
Other names: c.188A>G, p.Gln63Arg (NM_053026.4, NM_053027.4, NM_053028.4); c.-155-12515A>G (NM_001321309.2); short protein forms Q63R.
Identifiers: ClinVar variation 342908 (VCV000342908.14), dbSNP rs778259023, ClinGen allele CA068044.
Genomic context (GRCh38, chr3:123,752,516, plus strand): 5'-CAATCCAGCAGGAAGCGGCCCCCGCTGGTGATGGGTTGCCCGTTTCTGTGCCATGTCACC[T>C]GGGGCTCTGGGTAACCCCGGACCTTCAAGAAAAAGAAGAAAGGGTAAGAGCCTGTATTTC-3'
Protein context (NP_444253.3, residues 53-73): EGRVRGYPEP[Gln63Arg]VTWHRNGQPI